The following is an entry in ClinVar:

NM_015046.7(SETX):c.2380G>A (p.Val794Ile)

Gene: SETX (senataxin; minus strand). Cytogenetic location: 9q34.13.
Variant type: single nucleotide variant.
Coding change: c.2380G>A on transcript NM_015046.7 (MANE Select); coding-DNA position 2380, G replaced by A.
Protein change: p.Val794Ile; replaces valine 794 with isoleucine.
Molecular consequence: missense variant.
Genome position (GRCh38, 1-based): chr9:132,329,218, C>T on the plus strand (G>A on the coding strand, the complement: SETX is on the minus strand). VCF-style: chr9-132329218-C-T. GRCh37 (hg19) VCF-style: chr9-135204605-C-T.
Other names: c.2380G>A, p.Val794Ile (NM_001351527.2, NM_001351528.2); short protein forms V794I.
Identifiers: ClinVar variation 1790443 (VCV001790443.7), dbSNP rs1554821436, ClinGen allele CA5297610.

ClinVar aggregate classification (germline): Conflicting classifications of pathogenicity. Review status: criteria provided, conflicting classifications (1 of 4 stars). 4 submissions from 4 submitters: Uncertain significance (3); Likely benign (1). Last evaluated 2026-07-21.

Conditions:
Inborn genetic diseases. Identifiers: MedGen C0950123, MeSH D030342.
Amyotrophic lateral sclerosis type 4 (ALS4). Also called: NEURONOPATHY, DISTAL HEREDITARY MOTOR, WITH PYRAMIDAL FEATURES; AMYOTROPHIC LATERAL SCLEROSIS 4, JUVENILE. Identifiers: Orphanet 357043, MedGen C1865409, MONDO:0011223, OMIM 602433.
Spinocerebellar ataxia, autosomal recessive, with axonal neuropathy 2 (SCAN2). Also called: Ataxia with Oculomotor Apraxia; Ataxia with Oculomotor Apraxia Type 2; Ataxia-ocular apraxia-2; ATAXIA-OCULOMOTOR APRAXIA 2. Identifiers: Orphanet 64753, MedGen C1853761, MONDO:0018996, OMIM 606002.
SETX-related disorder. Also called: SETX-related condition; SETX-related disorders. Identifiers: MedGen CN239403.

Allele frequency attached by ClinVar (database versions not stated): gnomAD exomes below 0.00001; ExAC 0.00001.
gnomAD v4.1: 4 of 1,613,830 alleles (0.00025%); highest among the groups gnomAD compares: Non-Finnish European, 0.00034%; no homozygotes.

Submissions (4):

PreventionGenetics, part of Exact Sciences
Classification: Uncertain significance for SETX-related condition. Last evaluated: 2026-07-21. Review status: criteria provided, single submitter. Criteria: ACMG Guidelines, 2015. Collection method: clinical testing. Allele origin: germline.
Comment: The SETX c.2380G>A variant is predicted to result in the amino acid substitution p.Val794Ile. To our knowledge, this variant has not been reported in the literature. This variant is reported in 0.0018% of alleles in individuals of European (Non-Finnish) descent in gnomAD. At this time, the clinical significance of this variant is uncertain due to the absence of conclusive functional and genetic evidence.

Women's Health and Genetics/Laboratory Corporation of America, LabCorp
Classification: Uncertain significance. Last evaluated: 2024-11-13. Review status: criteria provided, single submitter. Criteria: LabCorp Variant Classification Summary - May 2015. Collection method: clinical testing. Allele origin: germline.
Comment: Variant summary: SETX c.2380G>A (p.Val794Ile) results in a conservative amino acid change in the encoded protein sequence. Four of five in-silico tools predict a benign effect of the variant on protein function. The variant allele was found at a frequency of 8e-06 in 250288 control chromosomes. The available data on variant occurrences in the general population are insufficient to allow any conclusion about variant significance. To our knowledge, no occurrence of c.2380G>A in individuals affected with SETX-related conditions and no experimental evidence demonstrating its impact on protein function have been reported. ClinVar contains an entry for this variant (Variation ID: 1790443). Based on the evidence outlined above, the variant was classified as uncertain significance.

Labcorp Genetics (formerly Invitae), Labcorp
Classification: Likely benign for Amyotrophic lateral sclerosis type 4; Spinocerebellar ataxia, autosomal recessive, with axonal neuropathy 2. Last evaluated: 2023-08-04. Review status: criteria provided, single submitter. Criteria: Invitae Variant Classification Sherloc (09022015). Collection method: clinical testing. Allele origin: germline.

Ambry Genetics
Classification: Uncertain significance for Inborn genetic diseases. Last evaluated: 2020-06-18. Review status: criteria provided, single submitter. Criteria: Ambry Variant Classification Scheme 2023. Collection method: clinical testing. Allele origin: germline.
Comment: The p.V794I variant (also known as c.2380G>A), located in coding exon 8 of the SETX gene, results from a G to A substitution at nucleotide position 2380. The valine at codon 794 is replaced by isoleucine, an amino acid with highly similar properties. This amino acid position is well conserved in available vertebrate species. In addition, this alteration is predicted to be tolerated by in silico analysis. Since supporting evidence is limited at this time, the clinical significance of this alteration remains unclear.